The following is an entry in ClinVar:

ClinVar aggregate classification (germline): Uncertain significance (1 of 4 stars; one submission).

Conditions:
Familial focal epilepsy with variable foci (FPEVF). Identifiers: Orphanet 98820, MedGen C1858477, MONDO:0020310.

Submission:

Labcorp Genetics (formerly Invitae), Labcorp
Classification: Uncertain significance for Familial focal epilepsy with variable foci. Last evaluated: 2025-05-05. Review status: criteria provided, single submitter. Criteria: Invitae Variant Classification Sherloc (09022015). Collection method: clinical testing. Allele origin: germline.
Comment: This sequence change replaces glutamine, which is neutral and polar, with arginine, which is basic and polar, at codon 792 of the DEPDC5 protein (p.Gln792Arg). This variant is not present in population databases (gnomAD no frequency). This variant has not been reported in the literature in individuals affected with DEPDC5-related conditions. Experimental studies and prediction algorithms are not available or were not evaluated, and the functional significance of this variant is currently unknown. In summary, the available evidence is currently insufficient to determine the role of this variant in disease. Therefore, it has been classified as a Variant of Uncertain Significance.

NM_001242896.3(DEPDC5):c.2375A>G (p.Gln792Arg)

Gene: DEPDC5 (DEP domain containing 5, GATOR1 subcomplex subunit; plus strand). Cytogenetic location: 22q12.3.
Variant type: single nucleotide variant.
Coding change: c.2375A>G on transcript NM_001242896.3 (MANE Select); coding-DNA position 2375, A replaced by G.
Protein change: p.Gln792Arg; replaces glutamine 792 with arginine.
Molecular consequence: missense variant. On other transcripts: non-coding transcript variant (5).
Genome position (GRCh38, 1-based): chr22:31,838,705, A>G. VCF-style: chr22-31838705-A-G. GRCh37 (hg19) VCF-style: chr22-32234691-A-G.
Other names: c.2348A>G, p.Gln783Arg (NM_001136029.4, NM_001369903.1, NM_014662.6); c.2141A>G, p.Gln714Arg (NM_001242897.2, NM_001363854.2, NM_001364319.2); c.2375A>G, p.Gln792Arg (NM_001363852.2, NM_001364318.2, NM_001364320.2); c.2291A>G, p.Gln764Arg (NM_001369901.1, NM_001369902.1); short protein forms Q792R, Q714R, Q764R, Q783R.
Identifiers: ClinVar variation 4744875 (VCV004744875.1).